The following is an entry in ClinVar:

NM_004655.4(AXIN2):c.225G>C (p.Leu75=)

Gene: AXIN2 (axin 2; minus strand). Cytogenetic location: 17q24.1.
Variant type: single nucleotide variant.
Coding change: c.225G>C on transcript NM_004655.4 (MANE Select); coding-DNA position 225, G replaced by C.
Protein change: p.Leu75=; no amino-acid change (leucine 75 retained).
Molecular consequence: synonymous variant.
Genome position (GRCh38, 1-based): chr17:65,558,396, C>G on the plus strand (G>C on the coding strand, the complement: AXIN2 is on the minus strand). VCF-style: chr17-65558396-C-G. GRCh37 (hg19) VCF-style: chr17-63554514-C-G.
Other names: c.225G>C, p.Leu75= (NM_001363813.1).
Identifiers: ClinVar variation 1788600 (VCV001788600.3), dbSNP rs2544253646, ClinGen allele CA501691440.
Genomic context (GRCh38, chr17:65,558,396, plus strand): 5'-GAACAGGTAAGCACCGTCTTGATCGCCCAATAAGGAGTGTAAGGACTTGGTCCACCGGGT[C>G]AGAGGGGAATCCGGAGATGCCCGCCCCTCCGGCTCCCCCAACCCATCTTCGTTCCGCCTG-3'
Protein context (NP_004646.3, residues 65-85): PEGRASPDSP[Leu75=]TRWTKSLHSL

ClinVar aggregate classification (germline): Benign/Likely benign. Review status: criteria provided, multiple submitters, no conflicts (2 of 4 stars). 2 submissions from 2 submitters: Benign (1); Likely benign (1). Last evaluated 2024-06-25.

Conditions:
Hereditary cancer-predisposing syndrome. Also called: Hereditary Cancer Syndrome; Hereditary neoplastic syndrome; Tumor predisposition; Neoplastic Syndromes, Hereditary. Identifiers: Orphanet 140162, MedGen C0027672, MeSH D009386, MONDO:0015356.
Oligodontia-cancer predisposition syndrome. Also called: TOOTH AGENESIS-COLORECTAL CANCER SYNDROME. Identifiers: Orphanet 300576, MedGen C1837750, MONDO:0012075, OMIM 608615. Disease mechanism: loss of function.

Submissions (2):

Myriad Genetics, Inc.
Classification: Benign for Oligodontia-cancer predisposition syndrome. Last evaluated: 2024-06-25. Review status: criteria provided, single submitter. Criteria: Myriad Autosomal Dominant, Autosomal Recessive and X-Linked Classification Criteria (2023). Collection method: clinical testing. Allele origin: unknown.
Comment: This variant is considered benign. This variant is a silent/synonymous amino acid change and it is not expected to impact splicing.

Ambry Genetics
Classification: Likely benign for Hereditary cancer-predisposing syndrome. Last evaluated: 2019-08-23. Review status: criteria provided, single submitter. Criteria: Ambry Variant Classification Scheme 2023. Collection method: clinical testing. Allele origin: germline.